The following is an entry in ClinVar:

ClinVar aggregate classification (germline): Uncertain significance (1 of 4 stars; one submission).

gnomAD v4.1: 1 of 1,612,724 alleles (0.000062%); no homozygotes.

Submission:

GeneDx
Classification: Uncertain significance. Last evaluated: 2024-01-04. Review status: criteria provided, single submitter. Criteria: GeneDx Variant Classification Process June 2021. Collection method: clinical testing. Allele origin: germline. Affected: yes.
Comment: Not observed at significant frequency in large population cohorts (gnomAD); In silico analysis supports that this missense variant does not alter protein structure/function; Has not been previously published as pathogenic or benign to our knowledge

NM_017617.5(NOTCH1):c.2575A>G (p.Thr859Ala)

Gene: NOTCH1 (notch receptor 1; minus strand). Cytogenetic location: 9q34.3.
Variant type: single nucleotide variant.
Coding change: c.2575A>G on transcript NM_017617.5 (MANE Select); coding-DNA position 2575, A replaced by G.
Protein change: p.Thr859Ala; replaces threonine 859 with alanine.
Molecular consequence: missense variant.
Genome position (GRCh38, 1-based): chr9:136,511,164, T>C on the plus strand (A>G on the coding strand, the complement: NOTCH1 is on the minus strand). VCF-style: chr9-136511164-T-C. GRCh37 (hg19) VCF-style: chr9-139405616-T-C.
Other names: short protein forms T859A.
Identifiers: ClinVar variation 3367516 (VCV003367516.1).